The following is an entry in ClinVar:

ClinVar aggregate classification (germline): Uncertain significance (1 of 4 stars; one submission).

Conditions:
Dilated cardiomyopathy 1J (CMD1J). Also called: CARDIOMYOPATHY, DILATED, WITH SENSORINEURAL HEARING LOSS, AUTOSOMAL DOMINANT. Identifiers: Orphanet 217622, MedGen C1854368, MONDO:0011541, OMIM 605362.

Submission:

Labcorp Genetics (formerly Invitae), Labcorp
Classification: Uncertain significance for Dilated cardiomyopathy 1J. Last evaluated: 2023-09-17. Review status: criteria provided, single submitter. Criteria: Invitae Variant Classification Sherloc (09022015). Collection method: clinical testing. Allele origin: germline.
Comment: In summary, the available evidence is currently insufficient to determine the role of this variant in disease. Therefore, it has been classified as a Variant of Uncertain Significance. Experimental studies and prediction algorithms are not available or were not evaluated, and the functional significance of this variant is currently unknown. This variant has not been reported in the literature in individuals affected with EYA4-related conditions. This variant is present in population databases (no rsID available, gnomAD 0.01%). This variant, c.190_191insAAA, results in the insertion of 1 amino acid(s) of the EYA4 protein (p.Val63_Thr64insLys), but otherwise preserves the integrity of the reading frame.

NM_004100.5(EYA4):c.190_191insAAA (p.Val63_Thr64insLys)

Gene: EYA4 (EYA transcriptional coactivator and phosphatase 4; plus strand). Cytogenetic location: 6q23.2.
Variant type: Insertion.
Coding change: c.190_191insAAA on transcript NM_004100.5 (MANE Select); coding-DNA positions 190 to 191, AAA inserted.
Protein change: p.Val63_Thr64insLys.
Molecular consequence: inframe insertion.
Genome position: GRCh38 VCF-style: chr6-133446735-T-TAAA. GRCh37 (hg19) VCF-style: chr6-133767873-T-TAAA.
Other names: c.190_191insAAA, p.Val63_Thr64insLys (NM_001301012.2, NM_001301013.2, NM_001370458.1 and 3 more transcripts).
Identifiers: ClinVar variation 2892934 (VCV002892934.3), dbSNP rs1392830385, ClinGen allele CA570658612.